The following is an entry in ClinVar:

ClinVar aggregate classification (germline): Uncertain significance. Review status: criteria provided, multiple submitters, no conflicts (2 of 4 stars). 2 submissions from 2 submitters: Uncertain significance (2). Last evaluated 2025-07-28.

Conditions:
Hereditary cancer-predisposing syndrome. Also called: Tumor predisposition; Hereditary neoplastic syndrome; Neoplastic Syndromes, Hereditary; Hereditary Cancer Syndrome. Identifiers: Orphanet 140162, MedGen C0027672, MeSH D009386, MONDO:0015356.
Rhabdoid tumor predisposition syndrome 2 (RTPS2). Identifiers: Orphanet 231108, Orphanet 69077, MedGen C2750074, MONDO:0013224, OMIM 613325.

Submissions (2):

Ambry Genetics
Classification: Uncertain significance for Hereditary cancer-predisposing syndrome. Last evaluated: 2025-07-28. Review status: criteria provided, single submitter. Criteria: Ambry Variant Classification Scheme 2023. Collection method: clinical testing. Allele origin: germline.
Comment: The p.K1332R variant (also known as c.3995A>G), located in coding exon 28 of the SMARCA4 gene, results from an A to G substitution at nucleotide position 3995. The lysine at codon 1332 is replaced by arginine, an amino acid with highly similar properties. This amino acid position is well conserved in available vertebrate species. In addition, this alteration is predicted to be tolerated by in silico analysis. Missense and in-frame variants in SMARCA4 are known to cause neurodevelopmental disorders; however, such associations with rhabdoid tumor predisposition syndrome including small cell carcinoma of the ovary-hypercalcemic type (SCCOHT) are exceedingly rare (Kosho T et al. Am J Med Genet C Semin Med Genet. 2014 Sep;166C(3):262-75; Jelinic P et al. Nat Genet. 2014 May;46(5):424-6). Based on the supporting evidence, the association of this alteration with Coffin-Siris syndrome is unknown; however, the association of this alteration with rhabdoid tumor predisposition syndrome is unlikely.

Labcorp Genetics (formerly Invitae), Labcorp
Classification: Uncertain significance for Rhabdoid tumor predisposition syndrome 2. Last evaluated: 2023-07-07. Review status: criteria provided, single submitter. Criteria: Invitae Variant Classification Sherloc (09022015). Collection method: clinical testing. Allele origin: germline.
Comment: In summary, the available evidence is currently insufficient to determine the role of this variant in disease. Therefore, it has been classified as a Variant of Uncertain Significance. Advanced modeling of protein sequence and biophysical properties (such as structural, functional, and spatial information, amino acid conservation, physicochemical variation, residue mobility, and thermodynamic stability) performed at Invitae indicates that this missense variant is not expected to disrupt SMARCA4 protein function. This variant is not present in population databases (gnomAD no frequency). This sequence change replaces lysine, which is basic and polar, with arginine, which is basic and polar, at codon 1332 of the SMARCA4 protein (p.Lys1332Arg). ClinVar contains an entry for this variant (Variation ID: 1986049). This variant has not been reported in the literature in individuals affected with SMARCA4-related conditions.

NM_003072.5(SMARCA4):c.3995A>G (p.Lys1332Arg)

Gene: SMARCA4 (SWI/SNF related BAF chromatin remodeling complex subunit ATPase 4; plus strand). Cytogenetic location: 19p13.2.
Variant type: single nucleotide variant.
Coding change: c.3995A>G on transcript NM_003072.5 (MANE Select); coding-DNA position 3995, A replaced by G.
Protein change: p.Lys1332Arg; replaces lysine 1332 with arginine.
Molecular consequence: missense variant. On other transcripts: non-coding transcript variant (1).
Genome position (GRCh38, 1-based): chr19:11,034,957, A>G. VCF-style: chr19-11034957-A-G. GRCh37 (hg19) VCF-style: chr19-11145633-A-G.
Other names: c.3995A>G (NM_001128849.1); c.3995A>G, p.Lys1332Arg (NM_001128844.3, NM_001128849.3, NM_001387283.1); c.3896A>G, p.Lys1299Arg (NM_001128845.2, NM_001128846.2, NM_001128847.4 and 3 more transcripts); short protein forms K1332R, K1299R.
Identifiers: ClinVar variation 1986049 (VCV001986049.7), dbSNP rs2146697651, ClinGen allele CA404068075.
Genomic context (GRCh38, chr19:11,034,957, plus strand): 5'-GCCTCCCTGCCCACCAGCGCATGGACCTGGACCGCAGGCGCGAGGAGGCCCGCAACCCCA[A>G]GCGGAAGCCGCGCCTCATGGAGGAGGACGAGCTCCCCTCGTGGATCATCAAGGACGACGC-3'
Protein context (NP_003063.2, residues 1322-1342): DRRREEARNP[Lys1332Arg]RKPRLMEEDE